The following is an entry in ClinVar:

ClinVar aggregate classification (germline): Conflicting classifications of pathogenicity. Review status: criteria provided, conflicting classifications (1 of 4 stars). 2 submissions from 2 submitters: Uncertain significance (1); Likely benign (1). Last evaluated 2023-12-27.

Conditions:
Mendelian susceptibility to mycobacterial diseases due to complete IL12RB1 deficiency. Also called: IL12RB1 DEFICIENCY; Immunodeficiency 30. Identifiers: Orphanet 319552, MedGen C4013949, MONDO:0013955, OMIM 614891.
Inborn genetic diseases. Identifiers: MedGen C0950123, MeSH D030342.

Allele frequency attached by ClinVar (database versions not stated): TOPMed 0.00001; ExAC 0.00004.

Submissions (2):

Labcorp Genetics (formerly Invitae), Labcorp
Classification: Uncertain significance for Mendelian susceptibility to mycobacterial diseases due to complete IL12RB1 deficiency. Last evaluated: 2023-12-27. Review status: criteria provided, single submitter. Criteria: Invitae Variant Classification Sherloc (09022015). Collection method: clinical testing. Allele origin: germline.
Comment: This sequence change replaces alanine, which is neutral and non-polar, with threonine, which is neutral and polar, at codon 574 of the IL12RB1 protein (p.Ala574Thr). The frequency data for this variant in the population databases is considered unreliable, as metrics indicate poor data quality at this position in the gnomAD database. This variant has not been reported in the literature in individuals affected with IL12RB1-related conditions. ClinVar contains an entry for this variant (Variation ID: 2360722). Advanced modeling of protein sequence and biophysical properties (such as structural, functional, and spatial information, amino acid conservation, physicochemical variation, residue mobility, and thermodynamic stability) performed at Invitae indicates that this missense variant is not expected to disrupt IL12RB1 protein function with a negative predictive value of 80%. In summary, the available evidence is currently insufficient to determine the role of this variant in disease. Therefore, it has been classified as a Variant of Uncertain Significance.

Ambry Genetics
Classification: Likely benign for Inborn genetic diseases. Last evaluated: 2022-04-22. Review status: criteria provided, single submitter. Criteria: Ambry Variant Classification Scheme 2023. Collection method: clinical testing. Allele origin: germline.

NM_005535.3(IL12RB1):c.1720G>A (p.Ala574Thr)

Gene: IL12RB1 (interleukin 12 receptor subunit beta 1; minus strand). Cytogenetic location: 19p13.11.
Variant type: single nucleotide variant.
Coding change: c.1720G>A on transcript NM_005535.3 (MANE Select); coding-DNA position 1720, G replaced by A.
Protein change: p.Ala574Thr; replaces alanine 574 with threonine.
Molecular consequence: missense variant.
Genome position (GRCh38, 1-based): chr19:18,061,193, C>T on the plus strand (G>A on the coding strand, the complement: IL12RB1 is on the minus strand). VCF-style: chr19-18061193-C-T. GRCh37 (hg19) VCF-style: chr19-18172003-C-T.
Other names: c.1720G>A, p.Ala574Thr (NM_001290023.2); c.1840G>A, p.Ala614Thr (NM_001290024.2); short protein forms A614T, A574T.
Identifiers: ClinVar variation 2360722 (VCV002360722.4), dbSNP rs750611719, ClinGen allele CA9304708.